The following is an entry in ClinVar:

ClinVar aggregate classification (germline): Pathogenic (1 of 4 stars; one submission).

Conditions:
Familial cancer of breast. Also called: hereditary breast carcinoma; BREAST CANCER, FAMILIAL; Hereditary breast cancer. Identifiers: Orphanet 227535, MedGen C0346153, MONDO:0016419, OMIM 114480. Disease mechanism: loss of function.

Submission:

Myriad Genetics, Inc.
Classification: Pathogenic for Familial cancer of breast. Last evaluated: 2024-01-29. Review status: criteria provided, single submitter. Criteria: Myriad Autosomal Dominant, Autosomal Recessive and X-Linked Classification Criteria (2023). Collection method: clinical testing. Allele origin: unknown.
Comment: This variant is considered pathogenic. This variant creates a frameshift predicted to result in premature protein truncation.

NM_000051.4(ATM):c.6060_6064dup (p.Gly2022fs)

Genes: ATM (ATM serine/threonine kinase; plus strand), C11orf65 (chromosome 11 open reading frame 65; minus strand). Cytogenetic location: 11q22.3.
Variant type: Duplication.
Coding change: c.6060_6064dup on transcript NM_000051.4 (MANE Select); coding-DNA positions 6060 to 6064, 5 bases duplicated (CTGTG; older notation c.6060_6064dupCTGTG).
Protein change: p.Gly2022fs; shifts the reading frame from glycine 2022.
Molecular consequence: frameshift variant. On other transcripts: intron variant (2).
Genome position (GRCh38, 1-based): chr11:108,315,876-108,315,880, CTGTG duplicated; duplicating any 5 consecutive bases within chr11:108,315,875-108,315,880 gives the same sequence; the c. name uses the placement nearest the transcript's 3' end. VCF-style (leftmost placement, unchanged base first): chr11-108315874-G-GGCTGT. GRCh37 (hg19) VCF-style: chr11-108186601-G-GGCTGT.
Other names: c.6060_6064dup, p.Gly2022fs (NM_001351834.2); c.641-6808_641-6804dup (NM_001330368.2); c.*39-6808_*39-6804dup (NM_001351110.2); short protein forms G2022fs.
Identifiers: ClinVar variation 3148567 (VCV003148567.1), dbSNP rs2547089550, ClinGen allele CA2825001850.